The following is an entry in ClinVar:

ClinVar aggregate classification (germline): Pathogenic (1 of 4 stars; one submission).

Conditions:
Hereditary spastic paraplegia 47. Also called: adaptor protein 4 (AP-4) deficiency syndrome; CEREBRAL PALSY, SPASTIC QUADRIPLEGIC, 5; Spastic paraplegia 47, autosomal recessive. Identifiers: Orphanet 280763, MedGen C3279738, MONDO:0013551, OMIM 614066.

Submission:

Labcorp Genetics (formerly Invitae), Labcorp
Classification: Pathogenic for Hereditary spastic paraplegia 47. Last evaluated: 2022-06-05. Review status: criteria provided, single submitter. Criteria: Invitae Variant Classification Sherloc (09022015). Collection method: clinical testing. Allele origin: germline.
Comment: This sequence change creates a premature translational stop signal (p.Ile371Metfs*18) in the AP4B1 gene. It is expected to result in an absent or disrupted protein product. Loss-of-function variants in AP4B1 are known to be pathogenic (PMID: 22290197, 24700674, 24781758). This variant is not present in population databases (gnomAD no frequency). This variant has not been reported in the literature in individuals affected with AP4B1-related conditions. For these reasons, this variant has been classified as Pathogenic.

Literature cited by the submitters: PubMed 22290197; PubMed 24700674; PubMed 24781758.

NM_001253852.3(AP4B1):c.1112_1113insGGAGC (p.Ile371fs)

Genes: AP4B1 (adaptor related protein complex 4 subunit beta 1; minus strand), AP4B1-AS1 (AP4B1 antisense RNA 1; plus strand). Cytogenetic location: 1p13.2.
Variant type: Insertion.
Coding change: c.1112_1113insGGAGC on transcript NM_001253852.3 (MANE Select); coding-DNA positions 1112 to 1113, GGAGC inserted.
Protein change: p.Ile371fs; shifts the reading frame from isoleucine 371.
Molecular consequence: frameshift variant. On other transcripts: non-coding transcript variant (2).
Genome position: GRCh38 VCF-style: chr1-113899905-T-TGCTCC. GRCh37 (hg19) VCF-style: chr1-114442527-T-TGCTCC.
Other names: c.815_816insGGAGC, p.Ile272fs (NM_001253853.3); c.608_609insGGAGC, p.Ile203fs (NM_001308312.2); c.1112_1113insGGAGC, p.Ile371fs (NM_006594.5); short protein forms I203fs, I272fs, I371fs.
Identifiers: ClinVar variation 1993045 (VCV001993045.4), dbSNP rs2526582013, ClinGen allele CA2580060823.